The following is an entry in ClinVar:

ClinVar aggregate classification (germline): Uncertain significance (1 of 4 stars; one submission).

Conditions:
Developmental and epileptic encephalopathy, 9 (DEE9). Also called: PCDH19-Related X-Linked Female-Limited Epilepsy with Mental Retardation; EPILEPSY, FEMALE-RESTRICTED, WITH MENTAL RETARDATION; Early infantile epileptic encephalopathy 9; JUBERG-HELLMAN SYNDROME. Identifiers: Orphanet 101039, Orphanet 2076, MedGen C1848137, MONDO:0010246, OMIM 300088. Disease mechanism: loss of function.

Allele frequency attached by ClinVar (database versions not stated): ExAC 0.00001; gnomAD 0.00001 and 0.00005; gnomAD exomes 0.00002 and 0.00003; TOPMed 0.00002.
gnomAD v4.1: 8 of 1,209,050 alleles (0.00066%); highest among the groups gnomAD compares: Admixed American, 0.017%; no homozygotes.

Submission:

Labcorp Genetics (formerly Invitae), Labcorp
Classification: Uncertain significance for Developmental and epileptic encephalopathy, 9. Last evaluated: 2025-12-03. Review status: criteria provided, single submitter. Criteria: Invitae Variant Classification Sherloc (09022015). Collection method: clinical testing. Allele origin: germline.
Comment: This sequence change replaces asparagine, which is neutral and polar, with serine, which is neutral and polar, at codon 1100 of the PCDH19 protein (p.Asn1100Ser). This variant is present in population databases (rs777494666, gnomAD 0.03%). This variant has not been reported in the literature in individuals affected with PCDH19-related conditions. ClinVar contains an entry for this variant (Variation ID: 575044). Invitae Evidence Modeling of protein sequence and biophysical properties (such as structural, functional, and spatial information, amino acid conservation, physicochemical variation, residue mobility, and thermodynamic stability) indicates that this missense variant is not expected to disrupt PCDH19 protein function with a negative predictive value of 95%. In summary, the available evidence is currently insufficient to determine the role of this variant in disease. Therefore, it has been classified as a Variant of Uncertain Significance.

NM_001184880.2(PCDH19):c.3299A>G (p.Asn1100Ser)

Gene: PCDH19 (protocadherin 19; minus strand). Cytogenetic location: Xq22.1.
Variant type: single nucleotide variant.
Coding change: c.3299A>G on transcript NM_001184880.2 (MANE Select); coding-DNA position 3299, A replaced by G.
Protein change: p.Asn1100Ser; replaces asparagine 1100 with serine.
Molecular consequence: missense variant.
Genome position (GRCh38, 1-based): chrX:100,296,425, T>C on the plus strand (A>G on the coding strand, the complement: PCDH19 is on the minus strand). VCF-style: chrX-100296425-T-C. GRCh37 (hg19) VCF-style: chrX-99551423-T-C.
Other names: c.3158A>G, p.Asn1053Ser (NM_001105243.2); c.3155A>G, p.Asn1052Ser (NM_020766.3); short protein forms N1100S, N1053S, N1052S.
Identifiers: ClinVar variation 575044 (VCV000575044.4), dbSNP rs777494666, ClinGen allele CA10468644.